The following is an entry in ClinVar:

ClinVar aggregate classification (germline): Uncertain significance (1 of 4 stars; one submission).

Submission:

GeneDx
Classification: Uncertain significance. Last evaluated: 2023-07-03. Review status: criteria provided, single submitter. Criteria: GeneDx Variant Classification Process June 2021. Collection method: clinical testing. Allele origin: germline. Affected: yes.
Comment: Not observed at significant frequency in large population cohorts (gnomAD); In silico analysis supports that this missense variant does not alter protein structure/function; Has not been previously published as pathogenic or benign to our knowledge

NM_001297595.2(SIN3B):c.3129G>A (p.Met1043Ile)

Gene: SIN3B (SIN3 transcription regulator family member B; plus strand). Cytogenetic location: 19p13.11.
Variant type: single nucleotide variant.
Coding change: c.3129G>A on transcript NM_001297595.2 (MANE Select); coding-DNA position 3129, G replaced by A.
Protein change: p.Met1043Ile; replaces methionine 1043 with isoleucine.
Molecular consequence: missense variant.
Genome position (GRCh38, 1-based): chr19:16,878,357, G>A. VCF-style: chr19-16878357-G-A. GRCh37 (hg19) VCF-style: chr19-16989168-G-A.
Other names: c.1899G>A, p.Met633Ile (NM_001297597.2); c.3225G>A, p.Met1075Ile (NM_015260.4); short protein forms M1043I, M1075I, M633I.
Identifiers: ClinVar variation 3360684 (VCV003360684.1).
Genomic context (GRCh38, chr19:16,878,357, plus strand): 5'-CTGCCGCTTCAAGCTCAGCACTCACAAGATGGTGTTCATCGTGAACTCCGAGGACTACAT[G>A]TACCGTCGCGGGACCCTCTGCCGGGCCAAGCAGGTGCCAGGGGAGGCCTGGGCTGCCCCG-3'
Protein context (NP_001284524.1, residues 1033-1053): MVFIVNSEDY[Met1043Ile]YRRGTLCRAK